The following is an entry in ClinVar:

NM_001378454.1(ALMS1):c.6017A>G (p.Asp2006Gly)

Gene: ALMS1 (ALMS1 centrosome and basal body associated protein; plus strand). Cytogenetic location: 2p13.1.
Variant type: single nucleotide variant.
Coding change: c.6017A>G on transcript NM_001378454.1 (MANE Select); coding-DNA position 6017, A replaced by G.
Protein change: p.Asp2006Gly; replaces aspartic acid 2006 with glycine.
Molecular consequence: missense variant.
Genome position (GRCh38, 1-based): chr2:73,452,544, A>G. VCF-style: chr2-73452544-A-G. GRCh37 (hg19) VCF-style: chr2-73679671-A-G.
Other names: c.6020A>G, p.Asp2007Gly (NM_015120.4); short protein forms D2006G, D2007G.
Identifiers: ClinVar variation 1315108 (VCV001315108.3), dbSNP rs1209226433, ClinGen allele CA347284440.

ClinVar aggregate classification (germline): Uncertain significance. Review status: criteria provided, multiple submitters, no conflicts (2 of 4 stars). 2 submissions from 2 submitters: Uncertain significance (2). Last evaluated 2022-05-25.

Conditions:
Alstrom syndrome (ALMS). Identifiers: Orphanet 64, MedGen C0268425, MONDO:0008763, OMIM 203800.

Allele frequency attached by ClinVar (database versions not stated): gnomAD exomes below 0.00001 and 0.00001; TOPMed 0.00002.

Submissions (2):

Labcorp Genetics (formerly Invitae), Labcorp
Classification: Uncertain significance for Alstrom syndrome. Last evaluated: 2022-05-25. Review status: criteria provided, single submitter. Criteria: Invitae Variant Classification Sherloc (09022015). Collection method: clinical testing. Allele origin: germline.
Comment: This sequence change replaces aspartic acid, which is acidic and polar, with glycine, which is neutral and non-polar, at codon 2007 of the ALMS1 protein (p.Asp2007Gly). This variant is present in population databases (no rsID available, gnomAD 0.003%). This variant has not been reported in the literature in individuals affected with ALMS1-related conditions. ClinVar contains an entry for this variant (Variation ID: 1315108). Experimental studies and prediction algorithms are not available or were not evaluated, and the functional significance of this variant is currently unknown. In summary, the available evidence is currently insufficient to determine the role of this variant in disease. Therefore, it has been classified as a Variant of Uncertain Significance.

GeneDx
Classification: Uncertain significance. Last evaluated: 2020-01-29. Review status: criteria provided, single submitter. Criteria: GeneDx Variant Classification Process June 2021. Collection method: clinical testing. Allele origin: germline. Affected: yes.
Comment: Not observed at a significant frequency in large population cohorts (Lek et al., 2016); In silico analysis, which includes protein predictors and evolutionary conservation, supports a deleterious effect; Has not been previously published as pathogenic or benign to our knowledge